The following is an entry in ClinVar:

ClinVar aggregate classification (germline): Conflicting classifications of pathogenicity. Review status: criteria provided, conflicting classifications (1 of 4 stars). 2 submissions from 2 submitters: Uncertain significance (1); Likely benign (1). Last evaluated 2025-12-20.

Conditions:
Cardiovascular phenotype. Identifiers: MedGen CN230736.
Hereditary cancer-predisposing syndrome. Also called: Hereditary Cancer Syndrome; Hereditary neoplastic syndrome; Neoplastic Syndromes, Hereditary; Tumor predisposition. Identifiers: Orphanet 140162, MedGen C0027672, MeSH D009386, MONDO:0015356.

gnomAD v4.1: 2 of 1,589,874 alleles (0.00013%); highest among the groups gnomAD compares: African/African-American, 0.0013%; no homozygotes.

Submissions (2):

Labcorp Genetics (formerly Invitae), Labcorp
Classification: Uncertain significance. Last evaluated: 2025-12-20. Review status: criteria provided, single submitter. Criteria: Invitae Variant Classification Sherloc (09022015). Collection method: clinical testing. Allele origin: germline.
Comment: This sequence change replaces alanine, which is neutral and non-polar, with valine, which is neutral and non-polar, at codon 496 of the LZTR1 protein (p.Ala496Val). This variant is present in population databases (no rsID available, gnomAD 0.008%). This variant has not been reported in the literature in individuals affected with LZTR1-related conditions. ClinVar contains an entry for this variant (Variation ID: 1773691). Invitae Evidence Modeling of protein sequence and biophysical properties (such as structural, functional, and spatial information, amino acid conservation, physicochemical variation, residue mobility, and thermodynamic stability) indicates that this missense variant is not expected to disrupt LZTR1 protein function with a negative predictive value of 80%. In summary, the available evidence is currently insufficient to determine the role of this variant in disease. Therefore, it has been classified as a Variant of Uncertain Significance.

Ambry Genetics
Classification: Likely benign for Cardiovascular phenotype; Hereditary cancer-predisposing syndrome. Last evaluated: 2024-08-09. Review status: criteria provided, single submitter. Criteria: Ambry Variant Classification Scheme 2023. Collection method: clinical testing. Allele origin: germline.

NM_006767.4(LZTR1):c.1487C>T (p.Ala496Val)

Gene: LZTR1 (leucine zipper like post translational regulator 1; plus strand). Cytogenetic location: 22q11.21.
Variant type: single nucleotide variant.
Coding change: c.1487C>T on transcript NM_006767.4 (MANE Select); coding-DNA position 1487, C replaced by T.
Protein change: p.Ala496Val; replaces alanine 496 with valine.
Molecular consequence: missense variant.
Genome position (GRCh38, 1-based): chr22:20,994,141, C>T. VCF-style: chr22-20994141-C-T. GRCh37 (hg19) VCF-style: chr22-21348430-C-T.
Other names: short protein forms A496V.
Identifiers: ClinVar variation 1773691 (VCV001773691.4), dbSNP rs755657932, ClinGen allele CA410775598.
Genomic context (GRCh38, chr22:20,994,141, plus strand): 5'-CTTGAGCTCCCTTCTCCCCACAGAAGCTGGAGCAGGAGGCCGCCCCAGTTCCCAGGGAGG[C>T]CCCCGGCGTGGCTGCTGGTGGGGCCCGGCCGCCCCTGCTGCACGTGGCCATCCGGGAGGC-3'
Protein context (NP_006758.2, residues 486-506): EQEAAPVPRE[Ala496Val]PGVAAGGARP